The following is an entry in ClinVar:

ClinVar aggregate classification (germline): Likely benign. Review status: criteria provided, single submitter (1 of 4 stars). 2 submissions from 1 submitter: Likely benign (2). Last evaluated 2018-01-13.

Conditions:
Isolated congenital digital clubbing. Also called: ACROPACHY, HEREDITARY; CLUBBING OF DIGITS. Identifiers: Orphanet 217059, MedGen C0345408, MONDO:0007343, OMIM 119900.
Hypertrophic osteoarthropathy, primary, autosomal recessive, 1 (PHOAR1). Also called: PHO, AUTOSOMAL RECESSIVE. Identifiers: Orphanet 1525, Orphanet 2796, MedGen C4551679, MONDO:0024546, OMIM 259100.

Allele frequency attached by ClinVar (database versions not stated): 1000 Genomes Project 0.00080; 1000 Genomes Project 30x 0.00125; gnomAD 0.00236 and 0.00238; gnomAD exomes 0.00240; TOPMed 0.00278.
gnomAD v4.1: 404 of 171,434 alleles (0.24%); highest among the groups gnomAD compares: Admixed American, 0.41%; 2 homozygotes.

Submissions (2):

Illumina Laboratory Services, Illumina
Classification: Likely benign for Hypertrophic osteoarthropathy, primary, autosomal recessive, 1. Last evaluated: 2018-01-13. Review status: criteria provided, single submitter. Criteria: ICSL Variant Classification Criteria 13 December 2019. Collection method: clinical testing. Allele origin: germline.
Comment: This variant was observed in the ICSL laboratory as part of a predisposition screen in an ostensibly healthy population. It had not been previously curated by ICSL or reported in the Human Gene Mutation Database (HGMD: prior to June 1st, 2018), and was therefore a candidate for classification through an automated scoring system. Utilizing variant allele frequency, disease prevalence and penetrance estimates, and inheritance mode, an automated score was calculated to assess if this variant is too frequent to cause the disease. Based on the score and internal cut-off values, a variant classified as likely benign is not then subjected to further curation. The score for this variant resulted in a classification of likely benign for this disease.

Illumina Laboratory Services, Illumina
Classification: Likely benign for Isolated congenital digital clubbing. Last evaluated: 2018-01-13. Review status: criteria provided, single submitter. Criteria: ICSL Variant Classification Criteria 13 December 2019. Collection method: clinical testing. Allele origin: germline.
Comment: the same text as in the submission from Illumina Laboratory Services, Illumina above.

NM_000860.6(HPGD):c.*438A>G

Gene: HPGD (15-hydroxyprostaglandin dehydrogenase; minus strand). Cytogenetic location: 4q34.1.
Variant type: single nucleotide variant.
Coding change: c.*438A>G on transcript NM_000860.6 (MANE Select); 438 bases downstream of the stop codon, A replaced by G.
Molecular consequence: 3 prime UTR variant.
Genome position (GRCh38, 1-based): chr4:174,491,518, T>C on the plus strand (A>G on the coding strand, the complement: HPGD is on the minus strand). VCF-style: chr4-174491518-T-C. GRCh37 (hg19) VCF-style: chr4-175412669-T-C.
Other names: c.*538A>G (NM_001145816.3); c.*438A>G (NM_001256301.1, NM_001256306.2, NM_001256307.2); c.*566A>G (NM_001256305.2).
Identifiers: ClinVar variation 901587 (VCV000901587.4), dbSNP rs144520232, ClinGen allele CA111125588.